The following is an entry in ClinVar:

NM_004539.4(NARS1):c.1001+2T>A

Gene: NARS1 (asparaginyl-tRNA synthetase 1; minus strand). Cytogenetic location: 18q21.31.
Variant type: single nucleotide variant.
Coding change: c.1001+2T>A on transcript NM_004539.4 (MANE Select); the canonical splice donor site of the intron after coding-DNA position 1001, T replaced by A.
Molecular consequence: splice donor variant.
Genome position (GRCh38, 1-based): chr18:57,607,132, A>T on the plus strand (T>A on the coding strand, the complement: NARS1 is on the minus strand). VCF-style: chr18-57607132-A-T. GRCh37 (hg19) VCF-style: chr18-55274364-A-T.
Identifiers: ClinVar variation 3902529 (VCV003902529.1).

ClinVar aggregate classification (germline): Uncertain significance (1 of 4 stars; one submission).

Submission:

Women's Health and Genetics/Laboratory Corporation of America, LabCorp
Classification: Uncertain significance. Last evaluated: 2025-05-05. Review status: criteria provided, single submitter. Criteria: LabCorp Variant Classification Summary - May 2015. Collection method: clinical testing. Allele origin: germline.
Comment: Variant summary: NARS1 c.1001+2T>A is located in a canonical splice-site and is predicted to affect mRNA splicing resulting in a significantly altered protein due to either exon skipping, shortening, or inclusion of intronic material. Variants that disrupt the consensus splice site are a relatively common cause of aberrant splicing, however current evidence is not sufficient to establish loss of function as a mechanism for disease. One computational tool predicts the variant abolishes a 5' splicing donor site. However, this prediction has yet to be confirmed by functional studies. The variant was absent in 250688 control chromosomes. The available data on variant occurrences in the general population are insufficient to allow any conclusion about variant significance. To our knowledge, no occurrence of c.1001+2T>A in individuals affected with Neurodevelopmental Disorder With Microcephaly, Impaired Language, And Gait Abnormalities and no experimental evidence demonstrating its impact on protein function have been reported. No submitters have cited clinical-significance assessments for this variant to ClinVar. Based on the evidence outlined above, the variant was classified as uncertain significance.